The following is an entry in ClinVar:

ClinVar aggregate classification (germline): Likely benign. Review status: criteria provided, multiple submitters, no conflicts (2 of 4 stars). 2 submissions from 2 submitters: Likely benign (2). Last evaluated 2025-05-15.

Conditions:
Tuberous sclerosis 2 (TSC2). Identifiers: Orphanet 805, MedGen C1860707, MONDO:0013199, OMIM 613254.

Submissions (2):

Myriad Genetics, Inc.
Classification: Likely benign for Tuberous sclerosis 2. Last evaluated: 2025-05-15. Review status: criteria provided, single submitter. Criteria: Myriad Autosomal Dominant, Autosomal Recessive and X-Linked Classification Criteria (2023). Collection method: clinical testing. Allele origin: unknown.
Comment: This variant is considered likely benign. This variant is intronic and is not expected to impact mRNA splicing.

Labcorp Genetics (formerly Invitae), Labcorp
Classification: Likely benign for Tuberous sclerosis 2. Last evaluated: 2022-01-16. Review status: criteria provided, single submitter. Criteria: Invitae Variant Classification Sherloc (09022015). Collection method: clinical testing. Allele origin: germline.

NM_000548.5(TSC2):c.1839+9del

Gene: TSC2 (TSC complex subunit 2; plus strand). Cytogenetic location: 16p13.3.
Variant type: Deletion.
Coding change: c.1839+9del on transcript NM_000548.5 (MANE Select); 9 bases into the intron after coding-DNA position 1839, one base deleted (G; older notation c.1839+9delG).
Molecular consequence: intron variant.
Genome position (GRCh38, 1-based): chr16:2,070,587, G deleted; the last of 2 consecutive G bases (chr16:2,070,586-2,070,587); deleting either gives the same sequence. VCF-style (leftmost placement, unchanged base first): chr16-2070585-TG-T. GRCh37 (hg19) VCF-style: chr16-2120586-TG-T.
Other names: c.1839+9del (NM_001114382.3, NM_021055.3, NM_001370405.1 and 3 more transcripts); c.1728+9del (NM_001318827.2); c.1239+9del (NM_001318831.2); c.1692+9del (NM_001318829.2); c.1872+9del (NM_001318832.2).
Identifiers: ClinVar variation 1114434 (VCV001114434.10), dbSNP rs2151282659, ClinGen allele CA2499223290.
Genomic context (GRCh38, chr16:2,070,585, plus strand): 5'-CTCCACTACAAGCACAGCTACACCCTGCCAATCGCGAGCAGCATCCGGCTGCAGGTATGG[TG>T]GCTGGGGTTGCGCAGCCAGTTCCTGGGGGCCCAGCCAGGTATCCCCGTCTCGGCAGGTGT-3'